The following is an entry in ClinVar:

ClinVar aggregate classification (germline): Uncertain significance (1 of 4 stars; one submission).

Conditions:
Developmental and epileptic encephalopathy, 34 (DEE34). Also called: SLC12A5-Related Epilepsy of Infancy with Migrating Focal Seizures; Early infantile epileptic encephalopathy 34. Identifiers: Orphanet 293181, MedGen C4225257, MONDO:0014718, OMIM 616645.

Allele frequency attached by ClinVar (database versions not stated): gnomAD exomes below 0.00001.

Submission:

Labcorp Genetics (formerly Invitae), Labcorp
Classification: Uncertain significance for Developmental and epileptic encephalopathy, 34. Last evaluated: 2022-06-22. Review status: criteria provided, single submitter. Criteria: Invitae Variant Classification Sherloc (09022015). Collection method: clinical testing. Allele origin: germline.
Comment: This sequence change replaces alanine, which is neutral and non-polar, with valine, which is neutral and non-polar, at codon 886 of the SLC12A5 protein (p.Ala886Val). This variant is not present in population databases (gnomAD no frequency). This variant has not been reported in the literature in individuals affected with SLC12A5-related conditions. Advanced modeling of protein sequence and biophysical properties (such as structural, functional, and spatial information, amino acid conservation, physicochemical variation, residue mobility, and thermodynamic stability) performed at Invitae indicates that this missense variant is expected to disrupt SLC12A5 protein function. In summary, the available evidence is currently insufficient to determine the role of this variant in disease. Therefore, it has been classified as a Variant of Uncertain Significance.

NM_020708.5(SLC12A5):c.2657C>T (p.Ala886Val)

Gene: SLC12A5 (solute carrier family 12 member 5; plus strand). Cytogenetic location: 20q13.12.
Variant type: single nucleotide variant.
Coding change: c.2657C>T on transcript NM_020708.5 (MANE Select); coding-DNA position 2657, C replaced by T.
Protein change: p.Ala886Val; replaces alanine 886 with valine.
Molecular consequence: missense variant.
Genome position (GRCh38, 1-based): chr20:46,053,687, C>T. VCF-style: chr20-46053687-C-T. GRCh37 (hg19) VCF-style: chr20-44682326-C-T.
Other names: c.2726C>T, p.Ala909Val (NM_001134771.2); short protein forms A886V, A909V.
Identifiers: ClinVar variation 2008923 (VCV002008923.1), dbSNP rs2515651310, ClinGen allele CA409206245.